The following is an entry in ClinVar:

NM_014339.7(IL17RA):c.1552G>A (p.Gly518Ser)

Gene: IL17RA (interleukin 17 receptor A; plus strand). Cytogenetic location: 22q11.1.
Variant type: single nucleotide variant.
Coding change: c.1552G>A on transcript NM_014339.7 (MANE Select); coding-DNA position 1552, G replaced by A.
Protein change: p.Gly518Ser; replaces glycine 518 with serine.
Molecular consequence: missense variant.
Genome position (GRCh38, 1-based): chr22:17,108,771, G>A. VCF-style: chr22-17108771-G-A. GRCh37 (hg19) VCF-style: chr22-17589661-G-A.
Other names: c.1450G>A, p.Gly484Ser (NM_001289905.2); short protein forms G518S, G484S.
Identifiers: ClinVar variation 1514177 (VCV001514177.6), dbSNP rs749300733, ClinGen allele CA10086787.
Genomic context (GRCh38, chr22:17,108,771, plus strand): 5'-ACCTACGTAGTCTGCTACTTCAGCGAGGTCAGCTGTGACGGCGACGTCCCCGACCTGTTC[G>A]GCGCGGCGCCGCGGTACCCGCTCATGGACAGGTTCGAGGAGGTGTACTTCCGCATCCAGG-3'
Protein context (NP_055154.3, residues 508-528): SCDGDVPDLF[Gly518Ser]AAPRYPLMDR

ClinVar aggregate classification (germline): Uncertain significance (1 of 4 stars; one submission).

Conditions:
Immunodeficiency 51 (IMD51). Also called: CANDIDIASIS, FAMILIAL, 5. Identifiers: Orphanet 1334, MedGen C4310803, MONDO:0013500, OMIM 613953.

gnomAD v4.1: 3 of 1,608,982 alleles (0.00019%); highest among the groups gnomAD compares: Non-Finnish European, 0.00025%; no homozygotes.

Submission:

Labcorp Genetics (formerly Invitae), Labcorp
Classification: Uncertain significance for Immunodeficiency 51. Last evaluated: 2024-10-15. Review status: criteria provided, single submitter. Criteria: Invitae Variant Classification Sherloc (09022015). Collection method: clinical testing. Allele origin: germline.
Comment: This sequence change replaces glycine, which is neutral and non-polar, with serine, which is neutral and polar, at codon 518 of the IL17RA protein (p.Gly518Ser). This variant is present in population databases (rs749300733, gnomAD 0.001%). This variant has not been reported in the literature in individuals affected with IL17RA-related conditions. ClinVar contains an entry for this variant (Variation ID: 1514177). Invitae Evidence Modeling of protein sequence and biophysical properties (such as structural, functional, and spatial information, amino acid conservation, physicochemical variation, residue mobility, and thermodynamic stability) indicates that this missense variant is not expected to disrupt IL17RA protein function with a negative predictive value of 80%. In summary, the available evidence is currently insufficient to determine the role of this variant in disease. Therefore, it has been classified as a Variant of Uncertain Significance.